The following is an entry in ClinVar:

ClinVar aggregate classification (germline): Uncertain significance (1 of 4 stars; one submission).

Conditions:
SRCAP-related disorder. Also called: SRCAP-related condition.

Submission:

PreventionGenetics, part of Exact Sciences
Classification: Uncertain significance for SRCAP-related condition. Last evaluated: 2024-10-18. Review status: criteria provided, single submitter. Criteria: ACMG Guidelines, 2015. Collection method: clinical testing. Allele origin: germline.
Comment: The SRCAP c.2203T>C variant is predicted to result in the amino acid substitution p.Phe735Leu. To our knowledge, this variant has not been reported in the literature or in a large population database (gnomAD), indicating this variant is rare. At this time, the clinical significance of this variant is uncertain due to the absence of conclusive functional and genetic evidence.

NM_006662.3(SRCAP):c.2203T>C (p.Phe735Leu)

Gene: SRCAP (Snf2 related CREBBP activator protein; plus strand). Cytogenetic location: 16p11.2.
Variant type: single nucleotide variant.
Coding change: c.2203T>C on transcript NM_006662.3 (MANE Select); coding-DNA position 2203, T replaced by C.
Protein change: p.Phe735Leu; replaces phenylalanine 735 with leucine.
Molecular consequence: missense variant.
Genome position (GRCh38, 1-based): chr16:30,713,280, T>C. VCF-style: chr16-30713280-T-C. GRCh37 (hg19) VCF-style: chr16-30724601-T-C.
Other names: short protein forms F735L.
Identifiers: ClinVar variation 5002046 (VCV005002046.1).
Genomic context (GRCh38, chr16:30,713,280, plus strand): 5'-CCCAATGCCTTTCATGTGTGTATCACATCTTACAAGCTGGTGCTGCAGGACCACCAGGCC[T>C]TCCGTCGCAAGAACTGGCGCTATCTCATTCTGGATGAGGCGCAGAACATCAAGAACTTCA-3'
Protein context (NP_006653.2, residues 725-745): YKLVLQDHQA[Phe735Leu]RRKNWRYLIL